The following is an entry in ClinVar:

NM_001206927.2(DNAH8):c.326C>T (p.Ser109Phe)

Genes: DNAH8 (dynein axonemal heavy chain 8; plus strand), LOC126859667 (BRD4-independent group 4 enhancer GRCh37_chr6:38690326-38691525; plus strand). Cytogenetic location: 6p21.2.
Variant type: single nucleotide variant.
Coding change: c.326C>T on transcript NM_001206927.2 (MANE Select); coding-DNA position 326, C replaced by T.
Protein change: p.Ser109Phe; replaces serine 109 with phenylalanine.
Molecular consequence: missense variant. On other transcripts: 5 prime UTR variant (1).
Genome position (GRCh38, 1-based): chr6:38,723,135, C>T. VCF-style: chr6-38723135-C-T. GRCh37 (hg19) VCF-style: chr6-38690911-C-T.
Other names: c.-241C>T (NM_001371.4); short protein forms S109F.
Identifiers: ClinVar variation 2129703 (VCV002129703.4), dbSNP rs1212995937, ClinGen allele CA363984884.
Genomic context (GRCh38, chr6:38,723,135, plus strand): 5'-CACCGCGACCGGTTCAGTCAGTGATTTCGGAAGTGCTGTCCTTGCCGTCTTCCCGGAGGT[C>T]CTCCAGATACCGCCGGAGTATGAGTGGCCTTCCCAATCTACAGGAAACATTAAAAGAGAG-3'
Protein context (NP_001193856.1, residues 99-119): EVLSLPSSRR[Ser109Phe]SRYRRSMSGL

ClinVar aggregate classification (germline): Uncertain significance (1 of 4 stars; one submission).

Conditions:
Primary ciliary dyskinesia. Also called: Ciliary dyskinesia. Identifiers: Orphanet 244, MedGen C0008780, MONDO:0016575, HP:0012265.

Allele frequency attached by ClinVar (database versions not stated): gnomAD exomes below 0.00001.

Submission:

Labcorp Genetics (formerly Invitae), Labcorp
Classification: Uncertain significance for Primary ciliary dyskinesia. Last evaluated: 2022-06-13. Review status: criteria provided, single submitter. Criteria: Invitae Variant Classification Sherloc (09022015). Collection method: clinical testing. Allele origin: germline.
Comment: In summary, the available evidence is currently insufficient to determine the role of this variant in disease. Therefore, it has been classified as a Variant of Uncertain Significance. Algorithms developed to predict the effect of missense changes on protein structure and function are either unavailable or do not agree on the potential impact of this missense change (SIFT: "Tolerated"; PolyPhen-2: "Not Available"; Align-GVGD: "Class C0"). This variant has not been reported in the literature in individuals affected with DNAH8-related conditions. This variant is present in population databases (no rsID available, gnomAD 0.003%). This sequence change replaces serine, which is neutral and polar, with phenylalanine, which is neutral and non-polar, at codon 109 of the DNAH8 protein (p.Ser109Phe).